The following is an entry in ClinVar:

ClinVar aggregate classification (germline): Uncertain significance (1 of 4 stars; one submission).

Allele frequency attached by ClinVar (database versions not stated): gnomAD exomes below 0.00001.
gnomAD v4.1: 1 of 1,613,828 alleles (0.000062%); highest among the groups gnomAD compares: Non-Finnish European, 0.000085%; no homozygotes.

Submission:

Labcorp Genetics (formerly Invitae), Labcorp
Classification: Uncertain significance. Last evaluated: 2022-09-09. Review status: criteria provided, single submitter. Criteria: Invitae Variant Classification Sherloc (09022015). Collection method: clinical testing. Allele origin: germline.
Comment: This sequence change replaces aspartic acid, which is acidic and polar, with tyrosine, which is neutral and polar, at codon 421 of the NTRK2 protein (p.Asp421Tyr). This variant is not present in population databases (gnomAD no frequency). This variant has not been reported in the literature in individuals affected with NTRK2-related conditions. Advanced modeling of protein sequence and biophysical properties (such as structural, functional, and spatial information, amino acid conservation, physicochemical variation, residue mobility, and thermodynamic stability) performed at Invitae indicates that this missense variant is not expected to disrupt NTRK2 protein function. In summary, the available evidence is currently insufficient to determine the role of this variant in disease. Therefore, it has been classified as a Variant of Uncertain Significance.

NM_006180.6(NTRK2):c.1261G>T (p.Asp421Tyr)

Gene: NTRK2 (neurotrophic receptor tyrosine kinase 2; plus strand). Cytogenetic location: 9q21.33.
Variant type: single nucleotide variant.
Coding change: c.1261G>T on transcript NM_006180.6 (MANE Select); coding-DNA position 1261, G replaced by T.
Protein change: p.Asp421Tyr; replaces aspartic acid 421 with tyrosine.
Molecular consequence: missense variant.
Genome position (GRCh38, 1-based): chr9:84,745,038, G>T. VCF-style: chr9-84745038-G-T. GRCh37 (hg19) VCF-style: chr9-87359953-G-T.
Other names: c.1261G>T, p.Asp421Tyr (NM_001007097.3, NM_001018064.3, NM_001018065.2 and 16 more transcripts); c.1222G>T, p.Asp408Tyr (NM_001291937.2, NM_001369546.1); c.1225G>T, p.Asp409Tyr (NM_001369534.1); c.793G>T, p.Asp265Tyr (NM_001369535.1, NM_001369536.1, NM_001369550.1 and 2 more transcripts); short protein forms D265Y, D408Y, D409Y, D421Y.
Identifiers: ClinVar variation 1713927 (VCV001713927.5), dbSNP rs2132378587, ClinGen allele CA374006907.
Genomic context (GRCh38, chr9:84,745,038, plus strand): 5'-GGAACTGCAGCGAATGACATCGGGGACACCACGAACAGAAGTAATGAAATCCCTTCCACA[G>T]ACGTCACTGATAAAACCGGTCGGGAACATCTCTCGGTGAGTGGAATAAATAGGTGTCTGA-3'
Protein context (NP_006171.2, residues 411-431): TNRSNEIPST[Asp421Tyr]VTDKTGREHL